The following is an entry in ClinVar:

ClinVar aggregate classification (germline): Conflicting classifications of pathogenicity. Review status: criteria provided, conflicting classifications (1 of 4 stars). 4 submissions from 4 submitters: Uncertain significance (1); Likely benign (2). 1 of the submissions does not count toward it. Last evaluated 2025-04-22.

Conditions:
PCDH19-related disorder. Also called: PCDH19-related condition.
Developmental and epileptic encephalopathy, 9 (DEE9). Also called: Early infantile epileptic encephalopathy 9; JUBERG-HELLMAN SYNDROME; PCDH19-Related X-Linked Female-Limited Epilepsy with Mental Retardation; EPILEPSY, FEMALE-RESTRICTED, WITH MENTAL RETARDATION. Identifiers: Orphanet 101039, Orphanet 2076, MedGen C1848137, MONDO:0010246, OMIM 300088. Disease mechanism: loss of function.

Allele frequency attached by ClinVar (database versions not stated): gnomAD exomes 0.00001 and 0.00004.
gnomAD v4.1: 38 of 1,211,104 alleles (0.0031%); highest among the groups gnomAD compares: Middle Eastern, 0.069%; no homozygotes.

Submissions (4):

Labcorp Genetics (formerly Invitae), Labcorp
Classification: Likely benign for Developmental and epileptic encephalopathy, 9. Last evaluated: 2025-04-22. Review status: criteria provided, single submitter. Criteria: Invitae Variant Classification Sherloc (09022015). Collection method: clinical testing. Allele origin: germline.

Blueprint Genetics
Classification: Likely benign. Last evaluated: 2022-10-07. Review status: criteria provided, single submitter. Criteria: ACMG Guidelines, 2015. Collection method: clinical testing. Allele origin: germline.

Eurofins Ntd Llc (ga)
Classification: Uncertain significance. Last evaluated: 2016-01-13. Review status: criteria provided, single submitter. Criteria: EGL Classification Definitions 2015. Collection method: clinical testing. Allele origin: germline. Observed: 1 variant allele, 1 heterozygote.

PreventionGenetics, part of Exact Sciences
Classification: Likely benign for PCDH19-related condition. Last evaluated: 2019-04-16. Review status: no assertion criteria provided. Collection method: clinical testing. Allele origin: germline. Not counted in ClinVar's aggregate classification.
Comment: This variant is classified as likely benign based on ACMG/AMP sequence variant interpretation guidelines (Richards et al. 2015 PMID: 25741868, with internal and published modifications).

NM_001184880.2(PCDH19):c.3057G>A (p.Gly1019=)

Gene: PCDH19 (protocadherin 19; minus strand). Cytogenetic location: Xq22.1.
Variant type: single nucleotide variant.
Coding change: c.3057G>A on transcript NM_001184880.2 (MANE Select); coding-DNA position 3057, G replaced by A.
Protein change: p.Gly1019=; no amino-acid change (glycine 1019 retained).
Molecular consequence: synonymous variant.
Genome position (GRCh38, 1-based): chrX:100,296,667, C>T on the plus strand (G>A on the coding strand, the complement: PCDH19 is on the minus strand). VCF-style: chrX-100296667-C-T. GRCh37 (hg19) VCF-style: chrX-99551665-C-T.
Other names: c.3057G>A (NM_001184880.1); c.2916G>A, p.Gly972= (NM_001105243.2); c.2913G>A, p.Gly971= (NM_020766.3).
Identifiers: ClinVar variation 285391 (VCV000285391.15), dbSNP rs886043091, ClinGen allele CA10605096.
Genomic context (GRCh38, chrX:100,296,667, plus strand): 5'-GACAGTCCTCTTGCCTTTCAGGGTAGGCCTCTCCTCAGCCGGGTGGTCGCTGACATCTTT[C>T]CCAAAGGTTGCGAAAGTCCGTTTGGTGGGGCCGCAGTCGTCATAAGCCTCGACATCAGCA-3'
Protein context (NP_001171809.1, residues 1009-1029): GPTKRTFATF[Gly1019=]KDVSDHPAEE